The following is an entry in ClinVar:

NM_014365.3(HSPB8):c.10G>A (p.Gly4Ser)

Gene: HSPB8 (heat shock protein family B (small) member 8; plus strand). Cytogenetic location: 12q24.23.
Variant type: single nucleotide variant.
Coding change: c.10G>A on transcript NM_014365.3 (MANE Select); coding-DNA position 10, G replaced by A.
Protein change: p.Gly4Ser; replaces glycine 4 with serine.
Molecular consequence: missense variant.
Genome position (GRCh38, 1-based): chr12:119,179,322, G>A. VCF-style: chr12-119179322-G-A. GRCh37 (hg19) VCF-style: chr12-119617127-G-A.
Other names: short protein forms G4S.
Identifiers: ClinVar variation 834392 (VCV000834392.9), dbSNP rs762887808, ClinGen allele CA6819479.
Genomic context (GRCh38, chr12:119,179,322, plus strand): 5'-GGTGGTTCTGTCTCTCTGAGCCTCTGTTTCTCTCTGAGCTGAGCAGCCACCATGGCTGAC[G>A]GTCAGATGCCCTTCTCCTGCCACTACCCAAGCCGCCTGCGCCGAGACCCCTTCCGGGACT-3'
Protein context (NP_055180.1, residues 1-14): MAD[Gly4Ser]QMPFSCHYPS

ClinVar aggregate classification (germline): Uncertain significance (1 of 4 stars; one submission).

Conditions:
Charcot-Marie-Tooth disease axonal type 2L. Also called: CHARCOT-MARIE-TOOTH DISEASE, AXONAL, AUTOSOMAL DOMINANT, TYPE 2L; CHARCOT-MARIE-TOOTH NEUROPATHY, AXONAL, TYPE 2L; Charcot-Marie-Tooth Neuropathy Type 2L. Identifiers: Orphanet 99945, MedGen C1837552, MONDO:0012096, OMIM 608673.

Allele frequency attached by ClinVar (database versions not stated): gnomAD 0.00001; ExAC 0.00002; TOPMed 0.00003.
gnomAD v4.1: 11 of 1,613,592 alleles (0.00068%); highest among the groups gnomAD compares: African/African-American, 0.004%; no homozygotes.

Submission:

Labcorp Genetics (formerly Invitae), Labcorp
Classification: Uncertain significance for Charcot-Marie-Tooth disease axonal type 2L. Last evaluated: 2026-01-13. Review status: criteria provided, single submitter. Criteria: Invitae Variant Classification Sherloc (09022015). Collection method: clinical testing. Allele origin: germline.
Comment: This sequence change replaces glycine, which is neutral and non-polar, with serine, which is neutral and polar, at codon 4 of the HSPB8 protein (p.Gly4Ser). The frequency data for this variant in the population databases is considered unreliable, as metrics indicate poor data quality at this position in the gnomAD database. This variant has not been reported in the literature in individuals affected with HSPB8-related conditions. ClinVar contains an entry for this variant (Variation ID: 834392). An algorithm developed to predict the effect of missense changes on protein structure and function (PolyPhen-2) suggests that this variant is likely to be tolerated. In summary, the available evidence is currently insufficient to determine the role of this variant in disease. Therefore, it has been classified as a Variant of Uncertain Significance.